The following is an entry in ClinVar:

NM_000059.4(BRCA2):c.440A>G (p.Gln147Arg)

Gene: BRCA2 (BRCA2 DNA repair associated; plus strand). Cytogenetic location: 13q13.1.
Variant type: single nucleotide variant.
Coding change: c.440A>G on transcript NM_000059.4 (MANE Select); coding-DNA position 440, A replaced by G.
Protein change: p.Gln147Arg; replaces glutamine 147 with arginine.
Molecular consequence: missense variant.
Genome position (GRCh38, 1-based): chr13:32,326,115, A>G. VCF-style: chr13-32326115-A-G. GRCh37 (hg19) VCF-style: chr13-32900252-A-G.
Other names: p.Q147R:CAA>CGA; NP_000050.3:p.Gln147Arg; 668A>G; short protein forms Q147R.
Identifiers: ClinVar variation 51644 (VCV000051644.54), dbSNP rs80358674, ClinGen allele CA020118.
Genomic context (GRCh38, chr13:32,326,115, plus strand): 5'-CCAGTTTTTTAAAATAACCTAAGGGATTTGCTTTGTTTTATTTTAGTCCTGTTGTTCTAC[A>G]ATGTACACATGTAACACCACAAAGAGATAAGTCAGGTATGATTAAAAACAATGCTTTTTA-3'
Protein context (NP_000050.3, residues 137-157): SCLSESPVVL[Gln147Arg]CTHVTPQRDK

ClinVar aggregate classification (germline): Benign. Review status: reviewed by expert panel (3 of 4 stars). 28 submissions from 27 submitters: Benign (1). 27 of the submissions do not count toward it. Last evaluated 2019-06-18.

Conditions:
Malignant tumor of pancreas. Also called: Pancreatic cancer; Malignant pancreatic neoplasm; Cancer of the pancreas. Identifiers: MedGen C0346647, MONDO:0009831.
Hereditary cancer-predisposing syndrome. Also called: Neoplastic Syndromes, Hereditary; Tumor predisposition; Hereditary Cancer Syndrome; Hereditary neoplastic syndrome. Identifiers: Orphanet 140162, MedGen C0027672, MeSH D009386, MONDO:0015356.
Breast and/or ovarian cancer. Identifiers: MedGen CN221562.
Ovarian cancer. Also called: OVARIAN CANCER, SOMATIC. Identifiers: Orphanet 213500, MedGen C1140680, MONDO:0008170, OMIM 167000.
Hereditary breast ovarian cancer syndrome. Also called: Breast and ovarian cancer; BRCA1- and BRCA2-Associated Hereditary Breast and Ovarian Cancer; Hereditary breast and ovarian cancer syndrome; Hereditary breast and/or ovarian cancer syndrome; Hereditary breast and ovarian cancer syndrome (HBOC); Hereditary breast and ovarian cancer. Identifiers: Orphanet 145, MedGen C0677776, MeSH D061325, MONDO:0003582. Disease mechanism: loss of function.
Fanconi anemia complementation group D1. Also called: BRCA2-Related Fanconi Anemia. Identifiers: Orphanet 319462, MedGen C1838457, MONDO:0011584, OMIM 605724.
Breast-ovarian cancer, familial, susceptibility to, 2 (BROVCA2). Also called: BRCA2 Hereditary Breast and Ovarian Cancer. Identifiers: Orphanet 145, MedGen C2675520, MONDO:0012933, OMIM 612555. Disease mechanism: loss of function.
Familial cancer of breast. Also called: Hereditary breast cancer; hereditary breast carcinoma; BREAST CANCER, FAMILIAL. Identifiers: Orphanet 227535, MedGen C0346153, MONDO:0016419, OMIM 114480. Disease mechanism: loss of function.
Malignant tumor of breast. Also called: Malignant breast neoplasm; Cancer breast. Identifiers: MedGen C0006142, MONDO:0007254. Disease mechanism: loss of function.

Allele frequency attached by ClinVar (database versions not stated): TOPMed 0.00024; ExAC 0.00025; gnomAD 0.00025.

Submissions 1 to 18 of 28:

Evidence-based Network for the Interpretation of Germline Mutant Alleles (ENIGMA)
Classification: Benign for Breast-ovarian cancer, familial, susceptibility to, 2. Last evaluated: 2019-06-18. Review status: reviewed by expert panel. Criteria: ENIGMA BRCA1/2 Classification Criteria (2017-06-29). Collection method: curation. Allele origin: germline.
Comment: IARC class based on posterior probability from multifactorial likelihood analysis, thresholds for class as per Plon et al. 2008 (PMID: 18951446). Class 1 based on posterior probability = 0.000603

Labcorp Genetics (formerly Invitae), Labcorp
Classification: Benign for Hereditary breast ovarian cancer syndrome. Last evaluated: 2026-02-03. Review status: criteria provided, single submitter. Criteria: Invitae Variant Classification Sherloc (09022015). Collection method: clinical testing. Allele origin: germline. Not counted in ClinVar's aggregate classification.

Institute for Biomarker Research, Medical Diagnostic Laboratories, L.L.C.
Classification: Benign for Hereditary breast ovarian cancer syndrome. Last evaluated: 2025-08-27. Review status: criteria provided, single submitter. Criteria: ACMG Guidelines, 2015. Collection method: clinical testing. Allele origin: germline. Not counted in ClinVar's aggregate classification.
Comment: The missense variant NM_000059.4(BRCA2):c.440A>G (p.Gln147Arg) has been reported to ClinVar as Benign with a status of (3 stars) reviewed by expert panel (Variation ID 51644 as of 2025-08-07). There is a small physicochemical difference between glutamine and arginine, which is not likely to impact secondary protein structure as these residues share similar properties. The p.Gln147Arg variant is not predicted to introduce a novel splice site by any splice site algorithm. The p.Gln147Arg missense variant is predicted to be tolerated by both SIFT or PolyPhen2. The nucleotide c.440 in BRCA2 is not conserved according to a GERP++ and PhyloP analysis of 100 vertebrates. For these reasons, this variant has been classified as Benign.

ARUP Laboratories, Molecular Genetics and Genomics, ARUP Laboratories
Classification: Benign. Last evaluated: 2025-06-19. Review status: criteria provided, single submitter. Criteria: ARUP Molecular Germline Variant Investigation Process 2024. Collection method: clinical testing. Allele origin: germline. Not counted in ClinVar's aggregate classification.

Center for Genomic Medicine, Rigshospitalet, Copenhagen University Hospital
Classification: Benign. Last evaluated: 2025-03-04. Review status: criteria provided, single submitter. Criteria: ACMG Guidelines, 2015. Collection method: clinical testing. Allele origin: germline. Not counted in ClinVar's aggregate classification.

Blueprint Genetics
Classification: Likely benign. Last evaluated: 2024-10-17. Review status: criteria provided, single submitter. Criteria: ACMG Guidelines, 2015. Collection method: clinical testing. Allele origin: germline. Not counted in ClinVar's aggregate classification.

All of Us Research Program, National Institutes of Health
Classification: Likely benign for Breast-ovarian cancer, familial, susceptibility to, 2. Last evaluated: 2024-02-05. Review status: criteria provided, single submitter. Criteria: ACMG Guidelines, 2015. Collection method: clinical testing. Allele origin: germline. Inheritance: Autosomal dominant inheritance. Observed: 26 variant alleles, 26 heterozygotes. Not counted in ClinVar's aggregate classification.
Comment: This study involves interpretation of variants in research participants for the purpose of population health screening. Participant phenotype was not available at the time of variant classification. Additional details can be found in publication PMID: 35346344, PMCID: PMC8962531

CHEO Genetics Diagnostic Laboratory, Children's Hospital of Eastern Ontario
Classification: Likely benign for Breast and/or ovarian cancer. Last evaluated: 2022-09-28. Review status: criteria provided, single submitter. Criteria: ACMG Guidelines, 2015. Collection method: clinical testing. Allele origin: germline. Not counted in ClinVar's aggregate classification.

National Health Laboratory Service, Universitas Academic Hospital and University of the Free State
Classification: Benign for Hereditary breast ovarian cancer syndrome. Last evaluated: 2022-04-19. Review status: criteria provided, single submitter. Criteria: ACMG Guidelines, 2015. Collection method: clinical testing. Allele origin: germline. Affected: yes. Observed: 1 variant allele. Not counted in ClinVar's aggregate classification.

Quest Diagnostics Nichols Institute San Juan Capistrano
Classification: Benign. Last evaluated: 2022-03-31. Review status: criteria provided, single submitter. Criteria: Quest Diagnostics criteria. Collection method: clinical testing. Allele origin: unknown. Not counted in ClinVar's aggregate classification.

Laboratory of Molecular Epidemiology of Birth Defects, West China Second University Hospital, Sichuan University
Classification: Benign for Ovarian cancer. Last evaluated: 2022-01-01. Review status: criteria provided, single submitter. Criteria: ACMG Guidelines, 2015. Collection method: clinical testing. Allele origin: germline. Affected: yes. Not counted in ClinVar's aggregate classification.

Genetic Services Laboratory, University of Chicago
Classification: Likely benign. Last evaluated: 2021-11-21. Review status: criteria provided, single submitter. Criteria: ACMG Guidelines, 2015. Collection method: clinical testing. Allele origin: germline. Affected: no. Not counted in ClinVar's aggregate classification.

Sema4
Classification: Benign for Hereditary cancer-predisposing syndrome. Last evaluated: 2020-06-25. Review status: criteria provided, single submitter. Criteria: Sema4 Curation Guidelines. Collection method: curation. Allele origin: germline. Not counted in ClinVar's aggregate classification.

Mendelics
Classification: Benign for Breast-ovarian cancer, familial, susceptibility to, 2. Last evaluated: 2019-05-28. Review status: criteria provided, single submitter. Criteria: Mendelics Assertion Criteria 2017. Collection method: clinical testing. Allele origin: unknown. Not counted in ClinVar's aggregate classification.

GeneDx
Classification: Benign. Last evaluated: 2018-11-30. Review status: criteria provided, single submitter. Criteria: GeneDx Variant Classification Process June 2021. Collection method: clinical testing. Allele origin: germline. Affected: yes. Not counted in ClinVar's aggregate classification.
Comment: This variant is associated with the following publications: (PMID: 28961279, 24489791, 22126563, 26067864, 24728327, 28222693, 17972177, 14973102, 17657584, 18627636, 20215541, 21218378, 31360874)

PreventionGenetics, part of Exact Sciences
Classification: Likely benign. Last evaluated: 2017-07-07. Review status: criteria provided, single submitter. Criteria: ACMG Guidelines, 2015. Collection method: clinical testing. Allele origin: germline. Not counted in ClinVar's aggregate classification.

Illumina Laboratory Services, Illumina
Classification: Likely benign for Breast-ovarian cancer, familial, susceptibility to, 2. Last evaluated: 2017-04-27. Review status: criteria provided, single submitter. Criteria: ICSL Variant Classification Criteria 13 December 2019. Collection method: clinical testing. Allele origin: germline. Not counted in ClinVar's aggregate classification.
Comment: This variant was observed as part of a predisposition screen in an ostensibly healthy population. A literature search was performed for the gene, cDNA change, and amino acid change (where applicable). Publications were found based on this search. The evidence from the literature, in combination with allele frequency data from public databases where available, was sufficient to determine this variant is unlikely to cause disease. Therefore, this variant is classified as likely benign.

Illumina Laboratory Services, Illumina
Classification: Likely benign for Fanconi anemia complementation group D1. Last evaluated: 2017-04-27. Review status: criteria provided, single submitter. Criteria: ICSL Variant Classification Criteria 13 December 2019. Collection method: clinical testing. Allele origin: germline. Not counted in ClinVar's aggregate classification.
Comment: This variant was observed as part of a predisposition screen in an ostensibly healthy population. A literature search was performed for the gene, cDNA change, and amino acid change (where applicable). No publications were found based on this search. Allele frequency data from public databases allowed determination this variant is unlikely to cause disease. Therefore, this variant is classified as likely benign.